The following is an entry in ClinVar:

ClinVar aggregate classification (germline): Likely benign. Review status: criteria provided, multiple submitters, no conflicts (2 of 4 stars). 4 submissions from 4 submitters: Likely benign (4). Last evaluated 2025-12-30.

Conditions:
SMAD4-related disorder. Also called: SMAD4-Related disorders; SMAD4-related condition.
Juvenile polyposis syndrome (JPS). Identifiers: Orphanet 2929, MedGen C0345893, MONDO:0017380, OMIM 174900.
Hereditary cancer-predisposing syndrome. Also called: Tumor predisposition; Hereditary neoplastic syndrome; Neoplastic Syndromes, Hereditary; Hereditary Cancer Syndrome. Identifiers: Orphanet 140162, MedGen C0027672, MeSH D009386, MONDO:0015356.
Juvenile polyposis/hereditary hemorrhagic telangiectasia syndrome (JPHT). Also called: Juvenile Polyposis Syndrome / Hereditary Hemorrhagic Telangiectasia (JPS/HHT); JP/HHT SYNDROME; JUVENILE POLYPOSIS WITH HEREDITARY HEMORRHAGIC TELANGIECTASIA; POLYPOSIS, GENERALIZED JUVENILE, WITH PULMONARY ARTERIOVENOUS MALFORMATION; TELANGIECTASIA, HEREDITARY HEMORRHAGIC, WITH JUVENILE POLYPOSIS COLI. Identifiers: Orphanet 2929, MedGen C1832942, MONDO:0008278, OMIM 175050.

Allele frequency attached by ClinVar (database versions not stated): gnomAD exomes below 0.00001; gnomAD 0.00001; TOPMed 0.00001.
gnomAD v4.1: 6 of 1,586,940 alleles (0.00038%); highest among the groups gnomAD compares: Non-Finnish European, 0.00043%; no homozygotes.

Submissions (4):

PreventionGenetics, part of Exact Sciences
Classification: Likely benign for SMAD4-related condition. Last evaluated: 2025-12-30. Review status: criteria provided, single submitter. Criteria: ACMG Guidelines, 2015. Collection method: clinical testing. Allele origin: germline.
Comment: This variant is classified as likely benign based on ACMG/AMP sequence variant interpretation guidelines (Richards et al. 2015 PMID: 25741868, with internal and published modifications).

Labcorp Genetics (formerly Invitae), Labcorp
Classification: Likely benign for Juvenile polyposis syndrome. Last evaluated: 2025-11-02. Review status: criteria provided, single submitter. Criteria: Invitae Variant Classification Sherloc (09022015). Collection method: clinical testing. Allele origin: germline.

Myriad Genetics, Inc.
Classification: Likely benign for Juvenile polyposis/hereditary hemorrhagic telangiectasia syndrome. Last evaluated: 2025-03-20. Review status: criteria provided, single submitter. Criteria: Myriad Autosomal Dominant, Autosomal Recessive and X-Linked Classification Criteria (2023). Collection method: clinical testing. Allele origin: unknown.
Comment: This variant is considered likely benign. This variant is intronic and is not expected to impact mRNA splicing.

Color Diagnostics, LLC DBA Color Health
Classification: Likely benign for Hereditary cancer-predisposing syndrome. Last evaluated: 2018-01-01. Review status: criteria provided, single submitter. Criteria: ACMG Guidelines, 2015. Collection method: clinical testing. Allele origin: germline.

NM_005359.6(SMAD4):c.904+7T>G

Gene: SMAD4 (SMAD family member 4; plus strand). Cytogenetic location: 18q21.2.
Variant type: single nucleotide variant.
Coding change: c.904+7T>G on transcript NM_005359.6 (MANE Select); 7 bases into the intron after coding-DNA position 904, T replaced by G.
Molecular consequence: intron variant.
Genome position (GRCh38, 1-based): chr18:51,058,463, T>G. VCF-style: chr18-51058463-T-G. GRCh37 (hg19) VCF-style: chr18-48584833-T-G.
Identifiers: ClinVar variation 460570 (VCV000460570.16), dbSNP rs1207550894, ClinGen allele CA629926620.